The following is an entry in ClinVar:

ClinVar aggregate classification (germline): Pathogenic (1 of 4 stars; one submission).

gnomAD v4.1: 6 of 1,613,072 alleles (0.00037%); highest among the groups gnomAD compares: Non-Finnish European, 0.00051%; no homozygotes.

Submission:

Labcorp Genetics (formerly Invitae), Labcorp
Classification: Pathogenic. Last evaluated: 2024-01-30. Review status: criteria provided, single submitter. Criteria: Invitae Variant Classification Sherloc (09022015). Collection method: clinical testing. Allele origin: germline.
Comment: This sequence change creates a premature translational stop signal (p.Tyr602*) in the UBE3B gene. It is expected to result in an absent or disrupted protein product. Loss-of-function variants in UBE3B are known to be pathogenic (PMID: 23687348, 24615390). This variant is not present in population databases (gnomAD no frequency). This variant has not been reported in the literature in individuals affected with UBE3B-related conditions. For these reasons, this variant has been classified as Pathogenic.

Literature cited by the submitters: PubMed 23687348; PubMed 24615390.

NM_130466.4(UBE3B):c.1806C>G (p.Tyr602Ter)

Gene: UBE3B (ubiquitin protein ligase E3B; plus strand). Cytogenetic location: 12q24.11.
Variant type: single nucleotide variant.
Coding change: c.1806C>G on transcript NM_130466.4 (MANE Select); coding-DNA position 1806, C replaced by G.
Protein change: p.Tyr602Ter; replaces tyrosine 602 with a stop codon.
Molecular consequence: nonsense.
Genome position (GRCh38, 1-based): chr12:109,510,408, C>G. VCF-style: chr12-109510408-C-G. GRCh37 (hg19) VCF-style: chr12-109948213-C-G.
Other names: c.1806C>G, p.Tyr602Ter (NM_183415.3); short protein forms Y602*.
Identifiers: ClinVar variation 2900215 (VCV002900215.3), dbSNP rs61760194, ClinGen allele CA386638462.